The following is an entry in ClinVar:

ClinVar aggregate classification (germline): Uncertain significance. Review status: criteria provided, multiple submitters, no conflicts (2 of 4 stars). 2 submissions from 2 submitters: Uncertain significance (2). Last evaluated 2026-06-17.

Conditions:
Familial sleep-related hypermotor epilepsy. Also called: Autosomal Dominant Sleep-Related Hypermotor (Hyperkinetic) Epilepsy. Identifiers: Orphanet 98784, MedGen C3696898, MONDO:0000030.
Inborn genetic diseases. Identifiers: MedGen C0950123, MeSH D030342.

Allele frequency attached by ClinVar (database versions not stated): TOPMed 0.00001.
gnomAD v4.1: 3 of 1,613,544 alleles (0.00019%); highest among the groups gnomAD compares: Admixed American, 0.0017%; no homozygotes.

Submissions (2):

Ambry Genetics
Classification: Uncertain significance for Inborn genetic diseases. Last evaluated: 2026-06-17. Review status: criteria provided, single submitter. Criteria: Ambry Variant Classification Scheme 2023. Collection method: clinical testing. Allele origin: germline.
Comment: The c.956T>C (p.L319P) alteration is located in exon 5 (coding exon 5) of the CHRNA4 gene. This alteration results from a T to C substitution at nucleotide position 956, causing the leucine (L) at amino acid position 319 to be replaced by a proline (P). Based on data from gnomAD, the C allele has an overall frequency of <0.001% (1/250930) total alleles studied. The highest observed frequency was 0.003% (1/34586) of Latino alleles. Based on insufficient or conflicting evidence, the clinical significance of this alteration remains unclear.

Labcorp Genetics (formerly Invitae), Labcorp
Classification: Uncertain significance. Last evaluated: 2024-05-12. Review status: criteria provided, single submitter. Criteria: Invitae Variant Classification Sherloc (09022015). Collection method: clinical testing. Allele origin: germline.
Comment: This sequence change replaces leucine, which is neutral and non-polar, with proline, which is neutral and non-polar, at codon 319 of the CHRNA4 protein (p.Leu319Pro). This variant is present in population databases (no rsID available, gnomAD 0.003%). This variant has not been reported in the literature in individuals affected with CHRNA4-related conditions. This missense change has been observed in at least one individual who was not affected with CHRNA4-related conditions (Invitae). ClinVar contains an entry for this variant (Variation ID: 1000272). Advanced modeling of protein sequence and biophysical properties (such as structural, functional, and spatial information, amino acid conservation, physicochemical variation, residue mobility, and thermodynamic stability) performed at Invitae indicates that this missense variant is expected to disrupt CHRNA4 protein function with a positive predictive value of 80%. In summary, the available evidence is currently insufficient to determine the role of this variant in disease. Therefore, it has been classified as a Variant of Uncertain Significance.

NM_000744.7(CHRNA4):c.956T>C (p.Leu319Pro)

Gene: CHRNA4 (cholinergic receptor nicotinic alpha 4 subunit; minus strand). Cytogenetic location: 20q13.33.
Variant type: single nucleotide variant.
Coding change: c.956T>C on transcript NM_000744.7 (MANE Select); coding-DNA position 956, T replaced by C.
Protein change: p.Leu319Pro; replaces leucine 319 with proline.
Molecular consequence: missense variant. On other transcripts: non-coding transcript variant (1).
Genome position (GRCh38, 1-based): chr20:63,350,455, A>G on the plus strand (T>C on the coding strand, the complement: CHRNA4 is on the minus strand). VCF-style: chr20-63350455-A-G. GRCh37 (hg19) VCF-style: chr20-61981807-A-G.
Other names: c.428T>C, p.Leu143Pro (NM_001256573.2); c.956T>C (NM_000744.5); short protein forms L143P, L319P.
Identifiers: ClinVar variation 1000272 (VCV001000272.9), dbSNP rs1315507965, ClinGen allele CA409635950.